The following is an entry in ClinVar:

NM_001999.4(FBN2):c.7305G>T (p.Lys2435Asn)

Gene: FBN2 (fibrillin 2; minus strand). Cytogenetic location: 5q23.3.
Variant type: single nucleotide variant.
Coding change: c.7305G>T on transcript NM_001999.4 (MANE Select); coding-DNA position 7305, G replaced by T.
Protein change: p.Lys2435Asn; replaces lysine 2435 with asparagine.
Molecular consequence: missense variant.
Genome position (GRCh38, 1-based): chr5:128,278,675, C>A on the plus strand (G>T on the coding strand, the complement: FBN2 is on the minus strand). VCF-style: chr5-128278675-C-A. GRCh37 (hg19) VCF-style: chr5-127614367-C-A.
Other names: short protein forms K2435N.
Identifiers: ClinVar variation 4745134 (VCV004745134.1).

ClinVar aggregate classification (germline): Uncertain significance (1 of 4 stars; one submission).

Conditions:
Congenital contractural arachnodactyly (CCA). Also called: BEALS SYNDROME; Arthrogryposis, distal, type 9; Beals-Hecht syndrome. Identifiers: Orphanet 115, MedGen C0220668, MONDO:0007363, OMIM 121050.

Submission:

Labcorp Genetics (formerly Invitae), Labcorp
Classification: Uncertain significance for Congenital contractural arachnodactyly. Last evaluated: 2026-02-01. Review status: criteria provided, single submitter. Criteria: Invitae Variant Classification Sherloc (09022015). Collection method: clinical testing. Allele origin: germline.
Comment: This sequence change replaces lysine, which is basic and polar, with asparagine, which is neutral and polar, at codon 2435 of the FBN2 protein (p.Lys2435Asn). This variant is not present in population databases (gnomAD no frequency). This variant has not been reported in the literature in individuals affected with FBN2-related conditions. Invitae Evidence Modeling of protein sequence and biophysical properties (such as structural, functional, and spatial information, amino acid conservation, physicochemical variation, residue mobility, and thermodynamic stability) indicates that this missense variant is not expected to disrupt FBN2 protein function with a negative predictive value of 80%. In summary, the available evidence is currently insufficient to determine the role of this variant in disease. Therefore, it has been classified as a Variant of Uncertain Significance.